The following is an entry in ClinVar:

ClinVar aggregate classification (germline): Uncertain significance. Review status: criteria provided, multiple submitters, no conflicts (2 of 4 stars). 3 submissions from 3 submitters: Uncertain significance (3). Last evaluated 2025-11-08.

Conditions:
Inborn genetic diseases. Identifiers: MedGen C0950123, MeSH D030342.

Allele frequency attached by ClinVar (database versions not stated): ExAC 0.00003; TOPMed 0.00003; gnomAD 0.00005; gnomAD exomes 0.00005.
gnomAD v4.1: 86 of 1,613,290 alleles (0.0053%); highest among the groups gnomAD compares: Non-Finnish European, 0.0068%; no homozygotes.

Submissions (3):

Ambry Genetics
Classification: Uncertain significance for Inborn genetic diseases. Last evaluated: 2025-11-08. Review status: criteria provided, single submitter. Criteria: Ambry Variant Classification Scheme 2023. Collection method: clinical testing. Allele origin: germline.

CeGaT Center for Human Genetics Tuebingen
Classification: Uncertain significance. Last evaluated: 2024-07-01. Review status: criteria provided, single submitter. Criteria: CeGaT Center For Human Genetics Tuebingen Variant Classification Criteria Version 2. Collection method: clinical testing. Allele origin: germline. Affected: yes. Observed: 1 variant allele.
Comment: TCF3: PM2, BP4

Labcorp Genetics (formerly Invitae), Labcorp
Classification: Uncertain significance. Last evaluated: 2024-04-25. Review status: criteria provided, single submitter. Criteria: Invitae Variant Classification Sherloc (09022015). Collection method: clinical testing. Allele origin: germline.
Comment: This sequence change replaces proline, which is neutral and non-polar, with leucine, which is neutral and non-polar, at codon 524 of the TCF3 protein (p.Pro524Leu). This variant is present in population databases (rs757750122, gnomAD 0.008%). This variant has not been reported in the literature in individuals affected with TCF3-related conditions. ClinVar contains an entry for this variant (Variation ID: 2151184). Advanced modeling of protein sequence and biophysical properties (such as structural, functional, and spatial information, amino acid conservation, physicochemical variation, residue mobility, and thermodynamic stability) performed at Invitae indicates that this missense variant is not expected to disrupt TCF3 protein function with a negative predictive value of 80%. In summary, the available evidence is currently insufficient to determine the role of this variant in disease. Therefore, it has been classified as a Variant of Uncertain Significance.

NM_003200.5(TCF3):c.1571C>T (p.Pro524Leu)

Gene: TCF3 (transcription factor 3; minus strand). Cytogenetic location: 19p13.3.
Variant type: single nucleotide variant.
Coding change: c.1571C>T on transcript NM_003200.5 (MANE Select); coding-DNA position 1571, C replaced by T.
Protein change: p.Pro524Leu; replaces proline 524 with leucine.
Molecular consequence: missense variant.
Genome position (GRCh38, 1-based): chr19:1,615,701, G>A on the plus strand (C>T on the coding strand, the complement: TCF3 is on the minus strand). VCF-style: chr19-1615701-G-A. GRCh37 (hg19) VCF-style: chr19-1615700-G-A.
Other names: c.1571C>T, p.Pro524Leu (NM_001136139.4, NM_001351779.2); c.1568C>T, p.Pro523Leu (NM_001351778.2); c.1571C>T (NM_003200.3); short protein forms P523L, P524L.
Identifiers: ClinVar variation 2151184 (VCV002151184.21), dbSNP rs757750122, ClinGen allele CA9049763.
Genomic context (GRCh38, chr19:1,615,701, plus strand): 5'-TCCTGATGGGGTGAGGGTGGGGAGTGCCGAGGGGTGGGTTGGCACCTGGTCCGGGCCCGG[G>A]GGGCCTTCAGCTCCTTCTTCTCCTCCTCCGAGTGGTCAGCCGCTGACGTGTTCTCCTCGT-3'
Protein context (NP_003191.1, residues 514-534): SEEEKKELKA[Pro524Leu]RARTSPDEDE